The following is an entry in ClinVar:

ClinVar aggregate classification (germline): Conflicting classifications of pathogenicity. Review status: criteria provided, conflicting classifications (1 of 4 stars). 2 submissions from 2 submitters: Likely pathogenic (1); Uncertain significance (1). Last evaluated 2026-03-01.

Conditions:
Distal arthrogryposis type 5D (DA5D). Identifiers: Orphanet 329457, MedGen C3554415, MONDO:0014028, OMIM 615065.

Submissions (2):

Center for Pediatric Genomic Medicine, Children's Mercy Hospital and Clinics
Classification: Likely pathogenic for Distal arthrogryposis type 5D. Last evaluated: 2026-03-01. Review status: criteria provided, single submitter. Criteria: ACMG Guidelines, 2015. Collection method: clinical testing. Allele origin: germline. Affected: yes.
Comment: PM1, PM2, PM3_supp, PP3

Blueprint Genetics
Classification: Uncertain significance. Last evaluated: 2024-09-04. Review status: criteria provided, single submitter. Criteria: ACMG Guidelines, 2015. Collection method: clinical testing. Allele origin: germline.

NM_004826.4(ECEL1):c.1199A>G (p.Tyr400Cys)

Gene: ECEL1 (endothelin converting enzyme like 1; minus strand). Cytogenetic location: 2q37.1.
Variant type: single nucleotide variant.
Coding change: c.1199A>G on transcript NM_004826.4 (MANE Select); coding-DNA position 1199, A replaced by G.
Protein change: p.Tyr400Cys; replaces tyrosine 400 with cysteine.
Molecular consequence: missense variant.
Genome position (GRCh38, 1-based): chr2:232,484,209, T>C on the plus strand (A>G on the coding strand, the complement: ECEL1 is on the minus strand). VCF-style: chr2-232484209-T-C. GRCh37 (hg19) VCF-style: chr2-233348919-T-C.
Other names: c.1199A>G, p.Tyr400Cys (NM_001290787.2); short protein forms Y400C.
Identifiers: ClinVar variation 4960551 (VCV004960551.2).
Genomic context (GRCh38, chr2:232,484,209, plus strand): 5'-GCCTCACGGAATGGCGGGGACAGGTGTTCACTCAGGACCACCACCACGCGCCACACCAGG[T>C]AGTTGTGCAGGACCCTGGGGACCAGGTGAAGCCAGTGGGTGTCCAGACGGACATGCATGT-3'
Protein context (NP_004817.2, residues 390-410): RSTPHRVLHN[Tyr400Cys]LVWRVVVVLS